The following is an entry in ClinVar:

ClinVar aggregate classification (germline): Uncertain significance. Review status: criteria provided, multiple submitters, no conflicts (2 of 4 stars). 2 submissions from 2 submitters: Uncertain significance (2). Last evaluated 2025-11-12.

Conditions:
Inborn genetic diseases. Identifiers: MedGen C0950123, MeSH D030342.

Submissions (2):

Ambry Genetics
Classification: Uncertain significance for Inborn genetic diseases. Last evaluated: 2025-11-12. Review status: criteria provided, single submitter. Criteria: Ambry Variant Classification Scheme 2023. Collection method: clinical testing. Allele origin: germline.

Women's Health and Genetics/Laboratory Corporation of America, LabCorp
Classification: Uncertain significance. Last evaluated: 2024-12-06. Review status: criteria provided, single submitter. Criteria: LabCorp Variant Classification Summary - May 2015. Collection method: clinical testing. Allele origin: germline.
Comment: Variant summary: SPEG c.2470A>G (p.Ile824Val) results in a conservative amino acid change in the encoded protein sequence. Four of five in-silico tools predict a benign effect of the variant on protein function. The variant allele was found at a frequency of 4e-06 in 248090 control chromosomes. The available data on variant occurrences in the general population are insufficient to allow any conclusion about variant significance. To our knowledge, no occurrence of c.2470A>G in individuals affected with Myopathy, Centronuclear, 5 and no experimental evidence demonstrating its impact on protein function have been reported. No submitters have cited clinical-significance assessments for this variant to ClinVar. Based on the evidence outlined above, the variant was classified as uncertain significance.

NM_005876.5(SPEG):c.2470A>G (p.Ile824Val)

Gene: SPEG (striated muscle enriched protein kinase; plus strand). Cytogenetic location: 2q35.
Variant type: single nucleotide variant.
Coding change: c.2470A>G on transcript NM_005876.5 (MANE Select); coding-DNA position 2470, A replaced by G.
Protein change: p.Ile824Val; replaces isoleucine 824 with valine.
Molecular consequence: missense variant. On other transcripts: 5 prime UTR variant (1).
Genome position (GRCh38, 1-based): chr2:219,461,911, A>G. VCF-style: chr2-219461911-A-G. GRCh37 (hg19) VCF-style: chr2-220326633-A-G.
Other names: c.2470A>G (NM_005876.4); c.-78A>G (NM_001173476.2); short protein forms I824V.
Identifiers: ClinVar variation 3768209 (VCV003768209.2).
Genomic context (GRCh38, chr2:219,461,911, plus strand): 5'-CTCCCTGGTAGCTATCTCTGTCTCTCTCCAGGTGGGTCTACATCCCCTTTCAGCAGCCCC[A>G]TCACCTCCGACGAGGAATACCTGAGCCCCCCAGAGGAGTTCCCAGAGCCTGGGGAGACCT-3'
Protein context (NP_005867.3, residues 814-834): GGSTSPFSSP[Ile824Val]TSDEEYLSPP